The following is an entry in ClinVar:

ClinVar aggregate classification (germline): Benign/Likely benign. Review status: criteria provided, multiple submitters, no conflicts (2 of 4 stars). 4 submissions from 2 submitters: Benign (2); Likely benign (2). Last evaluated 2018-01-13.

Conditions:
Orofacial cleft 8. Also called: Cleft lip with or without cleft palate, nonsyndromic, 8. Identifiers: MedGen C1851878, MONDO:0029145, OMIM 618149.
TP63-Related Spectrum Disorders.
Ectrodactyly, ectodermal dysplasia, and cleft lip-palate syndrome 3. Also called: Ectrodactyly, Ectodermal Dysplasia, Clefting Syndrome; EEC SYNDROME 3; Ectrodactyly, Ectodermal Dysplasia, Clefting Syndrome Type 3 (EEC3); Ectrodactyly, Ectodermal Dysplasia, Cleft Lip/Palate Syndrome 3 (EEC3). Identifiers: Orphanet 1896, MedGen C1858562, MONDO:0011428, OMIM 604292.

Allele frequency attached by ClinVar (database versions not stated): 1000 Genomes Project 30x 0.00422; 1000 Genomes Project 0.00519; TOPMed 0.00633; gnomAD 0.00863 and 0.00869; gnomAD exomes 0.00891.
gnomAD v4.1: 1,917 of 219,906 alleles (0.87%); highest among the groups gnomAD compares: Non-Finnish European, 1.1%; 12 homozygotes.

Submissions (4):

Illumina Laboratory Services, Illumina
Classification: Benign for Ectrodactyly, ectodermal dysplasia, and cleft lip-palate syndrome 3. Last evaluated: 2018-01-13. Review status: criteria provided, single submitter. Criteria: ICSL Variant Classification Criteria 13 December 2019. Collection method: clinical testing. Allele origin: germline.
Comment: This variant was observed in the ICSL laboratory as part of a predisposition screen in an ostensibly healthy population. It had not been previously curated by ICSL or reported in the Human Gene Mutation Database (HGMD: prior to June 1st, 2018), and was therefore a candidate for classification through an automated scoring system. Utilizing variant allele frequency, disease prevalence and penetrance estimates, and inheritance mode, an automated score was calculated to assess if this variant is too frequent to cause the disease. Based on the score and internal cut-off values, a variant classified as benign is not then subjected to further curation. The score for this variant resulted in a classification of benign for this disease.

Illumina Laboratory Services, Illumina
Classification: Likely benign for Orofacial cleft 8. Last evaluated: 2018-01-13. Review status: criteria provided, single submitter. Criteria: ICSL Variant Classification Criteria 13 December 2019. Collection method: clinical testing. Allele origin: germline.
Comment: This variant was observed in the ICSL laboratory as part of a predisposition screen in an ostensibly healthy population. It had not been previously curated by ICSL or reported in the Human Gene Mutation Database (HGMD: prior to June 1st, 2018), and was therefore a candidate for classification through an automated scoring system. Utilizing variant allele frequency, disease prevalence and penetrance estimates, and inheritance mode, an automated score was calculated to assess if this variant is too frequent to cause the disease. Based on the score and internal cut-off values, a variant classified as likely benign is not then subjected to further curation. The score for this variant resulted in a classification of likely benign for this disease.

Illumina Laboratory Services, Illumina
Classification: Benign for TP63-Related Spectrum Disorders. Last evaluated: 2018-01-13. Review status: criteria provided, single submitter. Criteria: ICSL Variant Classification Criteria 13 December 2019. Collection method: clinical testing. Allele origin: germline.
Comment: the same text as in the submission from Illumina Laboratory Services, Illumina above.

Breakthrough Genomics
Classification: Likely benign. Review status: criteria provided, single submitter. Criteria: ACMG Guidelines, 2015. Collection method: not provided. Allele origin: germline. Inheritance: Autosomal dominant inheritance. Affected: yes.

NM_003722.5(TP63):c.*1620T>C

Gene: TP63 (tumor protein p63; plus strand). Cytogenetic location: 3q28.
Variant type: single nucleotide variant.
Coding change: c.*1620T>C on transcript NM_003722.5 (MANE Select); 1620 bases downstream of the stop codon, T replaced by C.
Molecular consequence: 3 prime UTR variant.
Genome position (GRCh38, 1-based): chr3:189,896,122, T>C. VCF-style: chr3-189896122-T-C. GRCh37 (hg19) VCF-style: chr3-189613911-T-C.
Other names: c.*1620T>C (NM_001329148.2, NM_001114980.2, NM_001329146.2 and 1 more transcripts); c.*1891T>C (NM_001329149.2, NM_001329150.2, NM_001329144.2 and 1 more transcripts); c.*1901T>C (NM_001114978.2, NM_001114981.2).
Identifiers: ClinVar variation 344414 (VCV000344414.7), dbSNP rs34328757, ClinGen allele CA10615933.